The following is an entry in ClinVar:

ClinVar aggregate classification (germline): Uncertain significance (1 of 4 stars; one submission).

Conditions:
Myofibrillar myopathy 5. Also called: FILAMINOPATHY, AUTOSOMAL DOMINANT; Filaminopathy (type). Identifiers: Orphanet 171445, MedGen C1836050, MONDO:0012289, OMIM 609524.
Hypertrophic cardiomyopathy 26. Also called: Cardiomyopathy, familial hypertrophic, 26. Identifiers: Orphanet 75249, MedGen C4310749, MONDO:0014883, OMIM 617047.
Distal myopathy with posterior leg and anterior hand involvement. Also called: WILLIAMS DISTAL MYOPATHY. Identifiers: Orphanet 63273, MedGen C3279722, MONDO:0013550, OMIM 614065.

Allele frequency attached by ClinVar (database versions not stated): gnomAD exomes below 0.00001; gnomAD 0.00001; TOPMed 0.00002.
gnomAD v4.1: 8 of 1,614,026 alleles (0.0005%); highest among the groups gnomAD compares: African/African-American, 0.0013%; no homozygotes.

Submission:

Labcorp Genetics (formerly Invitae), Labcorp
Classification: Uncertain significance for Distal myopathy with posterior leg and anterior hand involvement; Myofibrillar myopathy 5; Hypertrophic cardiomyopathy 26. Last evaluated: 2025-06-23. Review status: criteria provided, single submitter. Criteria: Invitae Variant Classification Sherloc (09022015). Collection method: clinical testing. Allele origin: germline.
Comment: This sequence change replaces valine, which is neutral and non-polar, with methionine, which is neutral and non-polar, at codon 2528 of the FLNC protein (p.Val2528Met). This variant is not present in population databases (gnomAD no frequency). This variant has not been reported in the literature in individuals affected with FLNC-related conditions. ClinVar contains an entry for this variant (Variation ID: 949379). Invitae Evidence Modeling of protein sequence and biophysical properties (such as structural, functional, and spatial information, amino acid conservation, physicochemical variation, residue mobility, and thermodynamic stability) indicates that this missense variant is not expected to disrupt FLNC protein function with a negative predictive value of 95%. In summary, the available evidence is currently insufficient to determine the role of this variant in disease. Therefore, it has been classified as a Variant of Uncertain Significance.

NM_001458.5(FLNC):c.7582G>A (p.Val2528Met)

Genes: FLNC (filamin C; plus strand), FLNC-AS1 (FLNC antisense RNA 1; minus strand). Cytogenetic location: 7q32.1.
Variant type: single nucleotide variant.
Coding change: c.7582G>A on transcript NM_001458.5 (MANE Select); coding-DNA position 7582, G replaced by A.
Protein change: p.Val2528Met; replaces valine 2528 with methionine.
Molecular consequence: missense variant.
Genome position (GRCh38, 1-based): chr7:128,857,138, G>A. VCF-style: chr7-128857138-G-A. GRCh37 (hg19) VCF-style: chr7-128497192-G-A.
Other names: c.7483G>A, p.Val2495Met (NM_001127487.2); short protein forms V2528M, V2495M.
Identifiers: ClinVar variation 949379 (VCV000949379.7), dbSNP rs1317229834, ClinGen allele CA369219241.